The following is an entry in ClinVar:

NM_006766.5(KAT6A):c.5905C>T (p.Gln1969Ter)

Gene: KAT6A (lysine acetyltransferase 6A; minus strand). Cytogenetic location: 8p11.21.
Variant type: single nucleotide variant.
Coding change: c.5905C>T on transcript NM_006766.5 (MANE Select); coding-DNA position 5905, C replaced by T.
Protein change: p.Gln1969Ter; replaces glutamine 1969 with a stop codon.
Molecular consequence: nonsense.
Genome position (GRCh38, 1-based): chr8:41,932,315, G>A on the plus strand (C>T on the coding strand, the complement: KAT6A is on the minus strand). VCF-style: chr8-41932315-G-A. GRCh37 (hg19) VCF-style: chr8-41789833-G-A.
Other names: short protein forms Q1969*.
Identifiers: ClinVar variation 3572637 (VCV003572637.1).

ClinVar aggregate classification (germline): Uncertain significance (1 of 4 stars; one submission).

Submission:

GeneDx
Classification: Uncertain significance. Last evaluated: 2024-07-08. Review status: criteria provided, single submitter. Criteria: GeneDx Variant Classification Process June 2021. Collection method: clinical testing. Allele origin: germline. Affected: yes.
Comment: Nonsense variant predicted to result in protein truncation as the last 36 amino acids are lost, although loss-of-function variants have not been reported downstream of this position in the protein; Has not been previously published as pathogenic or benign to our knowledge